The following is an entry in ClinVar:

ClinVar aggregate classification (germline): Uncertain significance. Review status: criteria provided, multiple submitters, no conflicts (2 of 4 stars). 3 submissions from 3 submitters: Uncertain significance (3). Last evaluated 2025-03-18.

Conditions:
Seizures, benign familial infantile, 3 (BFIS3). Also called: CONVULSIONS, BENIGN FAMILIAL INFANTILE, 3; Familial neonatal seizures. Identifiers: Orphanet 140927, Orphanet 306, MedGen C1843140, MONDO:0011904, OMIM 607745.
Developmental and epileptic encephalopathy, 11 (DEE11). Also called: Early infantile epileptic encephalopathy 11. Identifiers: Orphanet 1934, MedGen C3150987, MONDO:0013388, OMIM 613721.

Allele frequency attached by ClinVar (database versions not stated): TOPMed below 0.00001; ExAC 0.00001; gnomAD exomes 0.00001.
gnomAD v4.1: 8 of 1,613,152 alleles (0.0005%); highest among the groups gnomAD compares: Admixed American, 0.0017%; no homozygotes.

Submissions (3):

Labcorp Genetics (formerly Invitae), Labcorp
Classification: Uncertain significance for Seizures, benign familial infantile, 3; Developmental and epileptic encephalopathy, 11. Last evaluated: 2025-03-18. Review status: criteria provided, single submitter. Criteria: Invitae Variant Classification Sherloc (09022015). Collection method: clinical testing. Allele origin: germline.
Comment: This sequence change replaces arginine, which is basic and polar, with lysine, which is basic and polar, at codon 1324 of the SCN2A protein (p.Arg1324Lys). This variant is present in population databases (rs761654525, gnomAD 0.003%). This variant has not been reported in the literature in individuals affected with SCN2A-related conditions. ClinVar contains an entry for this variant (Variation ID: 206992). An algorithm developed to predict the effect of missense changes on protein structure and function (PolyPhen-2) suggests that this variant is likely to be disruptive. In summary, the available evidence is currently insufficient to determine the role of this variant in disease. Therefore, it has been classified as a Variant of Uncertain Significance.

Mayo Clinic Laboratories, Mayo Clinic
Classification: Uncertain significance. Last evaluated: 2024-09-09. Review status: criteria provided, single submitter. Criteria: ACMG Guidelines, 2015. Collection method: clinical testing. Allele origin: germline. Observed: 1 variant allele.
Comment: BS2

GeneDx
Classification: Uncertain significance. Last evaluated: 2017-03-21. Review status: criteria provided, single submitter. Criteria: GeneDx Variant Classification (06012015). Collection method: clinical testing. Allele origin: germline. Affected: yes.
Comment: The R1324K variant has not been published as a pathogenic variant, nor has it been reported as a benign variant to our knowledge. The R1324K variant is not observed at a significant frequency in large population cohorts (Lek et al., 2016; 1000 Genomes Consortium et al., 2015; Exome Variant Server). This substitution alters a highly conserved position in the predicted cytoplasmic loop between the transmembrane segments S4 and S5 of the third homologous domain of the SCN2A protein. Additionally, multiple missense variants in nearby residues (R1319Q; M1323V; V1326D; L1330F) have been reported in the Human Gene Mutation Database in association with SCN2A-related disorders (Stenson et al., 2009), supporting the functional importance of this region of the protein. However, the R1324K variant is a conservative amino acid substitution, which is not likely to impact secondary protein structure as these residues share similar properties. In silico analysis is inconsistent in its predictions as to whether or not the variant is damaging to the protein structure/function. Therefore, based on the currently available information, it is unclear whether this variant is a pathogenic variant or a rare benign variant.

NM_001040142.2(SCN2A):c.3971G>A (p.Arg1324Lys)

Gene: SCN2A (sodium voltage-gated channel alpha subunit 2; plus strand). Cytogenetic location: 2q24.3.
Variant type: single nucleotide variant.
Coding change: c.3971G>A on transcript NM_001040142.2 (MANE Select); coding-DNA position 3971, G replaced by A.
Protein change: p.Arg1324Lys; replaces arginine 1324 with lysine.
Molecular consequence: missense variant.
Genome position (GRCh38, 1-based): chr2:165,373,346, G>A. VCF-style: chr2-165373346-G-A. GRCh37 (hg19) VCF-style: chr2-166229856-G-A.
Other names: p.R1324K:AGG>AAG; p.Arg1324Lys; c.3971G>A, p.Arg1324Lys (NM_001040143.2, NM_001371246.1, NM_001371247.1 and 1 more transcripts); short protein forms R1324K.
Identifiers: ClinVar variation 206992 (VCV000206992.8), dbSNP rs761654525, ClinGen allele CA317942.